The following is an entry in ClinVar:

ClinVar aggregate classification (germline): Uncertain significance (1 of 4 stars; one submission).

Conditions:
Progressive sclerosing poliodystrophy (MTDPS4A). Also called: Mitochondrial DNA depletion syndrome 4A (Alpers type); Alpers Syndrome; ALPERS DIFFUSE DEGENERATION OF CEREBRAL GRAY MATTER WITH HEPATIC CIRRHOSIS; Mitochondrial DNA Depletion Syndrome 4A; Alpers-Huttenlocher Syndrome (AHS); ALPERS PROGRESSIVE INFANTILE POLIODYSTROPHY. Identifiers: Orphanet 726, MedGen C0205710, MONDO:0008758, OMIM 203700.

Allele frequency attached by ClinVar (database versions not stated): TOPMed below 0.00001; ExAC 0.00001; gnomAD exomes 0.00002.
gnomAD v4.1: 32 of 1,613,538 alleles (0.002%); highest among the groups gnomAD compares: Non-Finnish European, 0.0024%; no homozygotes.

Submission:

Labcorp Genetics (formerly Invitae), Labcorp
Classification: Uncertain significance for Progressive sclerosing poliodystrophy. Last evaluated: 2022-07-06. Review status: criteria provided, single submitter. Criteria: Invitae Variant Classification Sherloc (09022015). Collection method: clinical testing. Allele origin: germline.
Comment: This sequence change replaces proline, which is neutral and non-polar, with leucine, which is neutral and non-polar, at codon 421 of the POLG protein (p.Pro421Leu). This variant is present in population databases (rs752240321, gnomAD 0.005%). This variant has not been reported in the literature in individuals affected with POLG-related conditions. ClinVar contains an entry for this variant (Variation ID: 405574). Algorithms developed to predict the effect of missense changes on protein structure and function (SIFT, PolyPhen-2, Align-GVGD) all suggest that this variant is likely to be disruptive. In summary, the available evidence is currently insufficient to determine the role of this variant in disease. Therefore, it has been classified as a Variant of Uncertain Significance.

NM_002693.3(POLG):c.1262C>T (p.Pro421Leu)

Gene: POLG (DNA polymerase gamma, catalytic subunit; minus strand). Cytogenetic location: 15q26.1.
Variant type: single nucleotide variant.
Coding change: c.1262C>T on transcript NM_002693.3 (MANE Select); coding-DNA position 1262, C replaced by T.
Protein change: p.Pro421Leu; replaces proline 421 with leucine.
Molecular consequence: missense variant.
Genome position (GRCh38, 1-based): chr15:89,327,338, G>A on the plus strand (C>T on the coding strand, the complement: POLG is on the minus strand). VCF-style: chr15-89327338-G-A. GRCh37 (hg19) VCF-style: chr15-89870569-G-A.
Other names: c.1262C>T, p.Pro421Leu (NM_001126131.2); short protein forms P421L.
Identifiers: ClinVar variation 405574 (VCV000405574.6), dbSNP rs752240321, ClinGen allele CA7724887.
Genomic context (GRCh38, chr15:89,327,338, plus strand): 5'-CAGTTCTGGTTGACAGGCAGGTAGGAGACACCCATCTCCAGCATGCCGGCCAGAGTCACT[G>A]GGTGGGGACACCTTGGAGGCAAACACCAGGAGCTGCCATAAATGACCACAGGAGGCAAGA-3'
Protein context (NP_002684.1, residues 411-431): LPLFLERCPH[Pro421Leu]VTLAGMLEMG